The following is an entry in ClinVar:

ClinVar aggregate classification (germline): Benign/Likely benign. Review status: criteria provided, multiple submitters, no conflicts (2 of 4 stars). 11 submissions from 11 submitters: Benign (4); Likely benign (6). 1 of the submissions does not count toward it. Last evaluated 2026-01-28.

Conditions:
Cardiac arrhythmia. Also called: Arrhythmia; Cardiac rhythm disease. Identifiers: MedGen C0003811, MONDO:0007263, HP:0011675.
Cardiovascular phenotype. Identifiers: MedGen CN230736.
Long QT syndrome (LQTS). Identifiers: MedGen C0023976, MeSH D008133, MONDO:0002442. Disease mechanism: loss of function. Inheritance: Various modes of inheritance.

Allele frequency attached by ClinVar (database versions not stated): gnomAD exomes 0.00013 and 0.00031; ExAC 0.00042; gnomAD 0.00113 and 0.00126; TOPMed 0.00130; ESP Exome Variant Server 0.00131; 1000 Genomes Project 30x 0.00156; 1000 Genomes Project 0.00160.
gnomAD v4.1: 356 of 1,614,000 alleles (0.022%); highest among the groups gnomAD compares: African/African-American, 0.41%; 1 homozygote.

Submissions (11):

Labcorp Genetics (formerly Invitae), Labcorp
Classification: Benign for Long QT syndrome. Last evaluated: 2026-01-28. Review status: criteria provided, single submitter. Criteria: Invitae Variant Classification Sherloc (09022015). Collection method: clinical testing. Allele origin: germline.

Women's Health and Genetics/Laboratory Corporation of America, LabCorp
Classification: Likely benign. Last evaluated: 2025-06-07. Review status: criteria provided, single submitter. Criteria: LabCorp Variant Classification Summary - May 2015. Collection method: clinical testing. Allele origin: germline.

Molecular Diagnostic Laboratory for Inherited Cardiovascular Disease, Montreal Heart Institute
Classification: Benign. Last evaluated: 2025-04-09. Review status: criteria provided, single submitter. Criteria: ACMG Guidelines, 2015. Collection method: clinical testing. Allele origin: germline. Affected: no.
Comment: BS1;BP6;BP7

Mayo Clinic Laboratories, Mayo Clinic
Classification: Likely benign. Last evaluated: 2025-03-20. Review status: criteria provided, single submitter. Criteria: ACMG Guidelines, 2015. Collection method: clinical testing. Allele origin: germline. Observed: 3 variant alleles.
Comment: BS1, BP4, BP7

Blueprint Genetics
Classification: Likely benign. Last evaluated: 2024-09-13. Review status: criteria provided, single submitter. Criteria: ACMG Guidelines, 2015. Collection method: clinical testing. Allele origin: germline.

Color Diagnostics, LLC DBA Color Health
Classification: Benign for Arrhythmia. Last evaluated: 2018-08-05. Review status: criteria provided, single submitter. Criteria: ACMG Guidelines, 2015. Collection method: clinical testing. Allele origin: germline.

Eurofins Ntd Llc (ga)
Classification: Likely benign. Last evaluated: 2016-07-19. Review status: criteria provided, single submitter. Criteria: EGL Classification Definitions 2015. Collection method: clinical testing. Allele origin: germline. Observed: 1 variant allele, 1 heterozygote.

Ambry Genetics
Classification: Likely benign for Cardiovascular phenotype. Last evaluated: 2015-06-23. Review status: criteria provided, single submitter. Criteria: Ambry Variant Classification Scheme 2023. Collection method: clinical testing. Allele origin: germline.

GeneDx
Classification: Benign. Last evaluated: 2013-06-14. Review status: criteria provided, single submitter. Criteria: GeneDx Variant Classification (06012015). Collection method: clinical testing. Allele origin: germline. Affected: yes.
Comment: This variant is considered likely benign or benign based on one or more of the following criteria: it is a conservative change, it occurs at a poorly conserved position in the protein, it is predicted to be benign by multiple in silico algorithms, and/or has population frequency not consistent with disease.

Laboratory for Molecular Medicine, Mass General Brigham Personalized Medicine
Classification: Likely benign. Last evaluated: 2012-04-30. Review status: criteria provided, single submitter. Criteria: LMM Criteria. Collection method: clinical testing. Allele origin: germline. Observed: 1 variant allele.
Comment: Ala149Ala in Exon 02 of KCNQ1: This variant is not expected to have clinical sig nificance because it does not alter an amino acid residue, is not located within the splice consensus sequence, and has been identified in 0.4% (14/3738) of Afr ican American chromosomes from a broad population by the NHLBI Exome Sequencing Project (dbSNP rs146436765).

Cohesion Phenomics
Classification: Likely benign for Long QT syndrome. Last evaluated: 2022-09-23. Review status: no assertion criteria provided. Criteria: ACMG Guidelines, 2015. Collection method: clinical testing. Allele origin: germline. Affected: yes. Not counted in ClinVar's aggregate classification.

NM_000218.3(KCNQ1):c.447C>T (p.Ala149=)

Gene: KCNQ1 (potassium voltage-gated channel subfamily Q member 1; plus strand). Cytogenetic location: 11p15.5.
Variant type: single nucleotide variant.
Coding change: c.447C>T on transcript NM_000218.3 (MANE Select); coding-DNA position 447, C replaced by T.
Protein change: p.Ala149=; no amino-acid change (alanine 149 retained).
Molecular consequence: synonymous variant.
Genome position (GRCh38, 1-based): chr11:2,527,988, C>T. VCF-style: chr11-2527988-C-T. GRCh37 (hg19) VCF-style: chr11-2549218-C-T.
Other names: p.A149A:GCC>GCT; p.Ala149=; c.447C>T, p.Ala149= (NM_001406836.1, NM_001406838.1); c.177C>T, p.Ala59= (NM_001406837.1); c.66C>T, p.Ala22= (NM_181798.2).
Identifiers: ClinVar variation 138011 (VCV000138011.33), dbSNP rs146436765, ClinGen allele CA007107.